The following is an entry in ClinVar:

NM_015978.3(TNNI3K):c.211C>T (p.Leu71Phe)

Genes: FPGT-TNNI3K (FPGT-TNNI3K readthrough; plus strand), TNNI3K (TNNI3 interacting kinase; plus strand). Cytogenetic location: 1p31.1.
Variant type: single nucleotide variant.
Coding change: c.211C>T on transcript NM_015978.3 (MANE Select); coding-DNA position 211, C replaced by T.
Protein change: p.Leu71Phe; replaces leucine 71 with phenylalanine.
Molecular consequence: missense variant.
Genome position (GRCh38, 1-based): chr1:74,249,520, C>T. VCF-style: chr1-74249520-C-T. GRCh37 (hg19) VCF-style: chr1-74715204-C-T.
Other names: c.514C>T, p.Leu172Phe (NM_001112808.3, NM_001199327.2); short protein forms L71F, L172F.
Identifiers: ClinVar variation 2803155 (VCV002803155.3), dbSNP rs140940650, ClinGen allele CA908806.

ClinVar aggregate classification (germline): Uncertain significance (1 of 4 stars; one submission).

Allele frequency attached by ClinVar (database versions not stated): TOPMed 0.00001; gnomAD 0.00001; ESP Exome Variant Server 0.00008; gnomAD exomes below 0.00001; ExAC 0.00001.

Submission:

Labcorp Genetics (formerly Invitae), Labcorp
Classification: Uncertain significance. Last evaluated: 2025-11-18. Review status: criteria provided, single submitter. Criteria: Invitae Variant Classification Sherloc (09022015). Collection method: clinical testing. Allele origin: germline.
Comment: This sequence change replaces leucine, which is neutral and non-polar, with phenylalanine, which is neutral and non-polar, at codon 71 of the TNNI3K protein (p.Leu71Phe). This variant is present in population databases (rs140940650, gnomAD 0.008%). This variant has not been reported in the literature in individuals affected with TNNI3K-related conditions. ClinVar contains an entry for this variant (Variation ID: 2803155). Invitae Evidence Modeling of protein sequence and biophysical properties (such as structural, functional, and spatial information, amino acid conservation, physicochemical variation, residue mobility, and thermodynamic stability) indicates that this missense variant is not expected to disrupt TNNI3K protein function with a negative predictive value of 80%. In summary, the available evidence is currently insufficient to determine the role of this variant in disease. Therefore, it has been classified as a Variant of Uncertain Significance.